The following is an entry in ClinVar:

NM_000268.4(NF2):c.83C>T (p.Thr28Ile)

Gene: NF2 (NF2, moesin-ezrin-radixin like (MERLIN) tumor suppressor; plus strand). Cytogenetic location: 22q12.2.
Variant type: single nucleotide variant.
Coding change: c.83C>T on transcript NM_000268.4 (MANE Select); coding-DNA position 83, C replaced by T.
Protein change: p.Thr28Ile; replaces threonine 28 with isoleucine.
Molecular consequence: missense variant. On other transcripts: 5 prime UTR variant (4), non-coding transcript variant (1).
Genome position (GRCh38, 1-based): chr22:29,604,081, C>T. VCF-style: chr22-29604081-C-T. GRCh37 (hg19) VCF-style: chr22-30000070-C-T.
Other names: c.-148C>T (NM_001407053.1, NM_001407056.1); c.83C>T, p.Thr28Ile (NM_001407054.1, NM_001407055.1, NM_001407057.1 and 15 more transcripts); c.-558C>T (NM_001407065.1); c.-174C>T (NM_001407067.1); short protein forms T28I.
Identifiers: ClinVar variation 4746585 (VCV004746585.2).

ClinVar aggregate classification (germline): Uncertain significance. Review status: criteria provided, multiple submitters, no conflicts (2 of 4 stars). 2 submissions from 2 submitters: Uncertain significance (2). Last evaluated 2026-07-07.

Conditions:
Neurofibromatosis, type 2 (SWNV). Also called: BILATERAL ACOUSTIC NEUROFIBROMATOSIS; SCHWANNOMATOSIS, VESTIBULAR; NF2-Related Schwannomatosis. Identifiers: Orphanet 637, MedGen C0027832, MONDO:0007039, OMIM 101000. Disease mechanism: loss of function.
Hereditary cancer-predisposing syndrome. Also called: Hereditary Cancer Syndrome; Hereditary neoplastic syndrome; Neoplastic Syndromes, Hereditary; Tumor predisposition. Identifiers: Orphanet 140162, MedGen C0027672, MeSH D009386, MONDO:0015356.

Submissions (2):

Ambry Genetics
Classification: Uncertain significance for Hereditary cancer-predisposing syndrome. Last evaluated: 2026-07-07. Review status: criteria provided, single submitter. Criteria: Ambry Variant Classification Scheme 2023. Collection method: clinical testing. Allele origin: germline.
Comment: The p.T28I variant (also known as c.83C>T), located in coding exon 1 of the NF2 gene, results from a C to T substitution at nucleotide position 83. The threonine at codon 28 is replaced by isoleucine, an amino acid with similar properties. This amino acid position is conserved. In addition, this alteration is predicted to be deleterious by in silico analysis. Based on the available evidence, the clinical significance of this variant remains unclear.

Labcorp Genetics (formerly Invitae), Labcorp
Classification: Uncertain significance for Neurofibromatosis, type 2. Last evaluated: 2025-11-12. Review status: criteria provided, single submitter. Criteria: Invitae Variant Classification Sherloc (09022015). Collection method: clinical testing. Allele origin: germline.
Comment: This sequence change replaces threonine, which is neutral and polar, with isoleucine, which is neutral and non-polar, at codon 28 of the NF2 protein (p.Thr28Ile). This variant is not present in population databases (gnomAD no frequency). This variant has not been reported in the literature in individuals affected with NF2-related conditions. Invitae Evidence Modeling of protein sequence and biophysical properties (such as structural, functional, and spatial information, amino acid conservation, physicochemical variation, residue mobility, and thermodynamic stability) indicates that this missense variant is expected to disrupt NF2 protein function with a positive predictive value of 80%. In summary, the available evidence is currently insufficient to determine the role of this variant in disease. Therefore, it has been classified as a Variant of Uncertain Significance.